The following is an entry in ClinVar:

ClinVar aggregate classification (germline): Uncertain significance (1 of 4 stars; one submission).

Conditions:
Genitopatellar syndrome (GTPTS). Also called: Genitopatellar syndrome (GPS); ABSENT PATELLAE, SCROTAL HYPOPLASIA, RENAL ANOMALIES, FACIAL DYSMORPHISM, AND MENTAL RETARDATION. Identifiers: Orphanet 85201, MedGen C1853566, MONDO:0011640, OMIM 606170.

gnomAD v4.1: 1 of 1,614,126 alleles (0.000062%); no homozygotes.

Submission:

Labcorp Genetics (formerly Invitae), Labcorp
Classification: Uncertain significance for Genitopatellar syndrome. Last evaluated: 2025-05-11. Review status: criteria provided, single submitter. Criteria: Invitae Variant Classification Sherloc (09022015). Collection method: clinical testing. Allele origin: germline.
Comment: This sequence change replaces proline, which is neutral and non-polar, with leucine, which is neutral and non-polar, at codon 372 of the KAT6B protein (p.Pro372Leu). This variant is not present in population databases (gnomAD no frequency). This variant has not been reported in the literature in individuals affected with KAT6B-related conditions. An algorithm developed to predict the effect of missense changes on protein structure and function (PolyPhen-2) suggests that this variant is likely to be disruptive. In summary, the available evidence is currently insufficient to determine the role of this variant in disease. Therefore, it has been classified as a Variant of Uncertain Significance.

NM_012330.4(KAT6B):c.1115C>T (p.Pro372Leu)

Gene: KAT6B (lysine acetyltransferase 6B; plus strand). Cytogenetic location: 10q22.2.
Variant type: single nucleotide variant.
Coding change: c.1115C>T on transcript NM_012330.4 (MANE Select); coding-DNA position 1115, C replaced by T.
Protein change: p.Pro372Leu; replaces proline 372 with leucine.
Molecular consequence: missense variant. On other transcripts: intron variant (5).
Genome position (GRCh38, 1-based): chr10:74,975,452, C>T. VCF-style: chr10-74975452-C-T. GRCh37 (hg19) VCF-style: chr10-76735210-C-T.
Other names: c.1115C>T, p.Pro372Leu (NM_001370141.1, NM_001370142.1, NM_001256468.2 and 7 more transcripts); c.846+5677C>T (NM_001370133.1); c.193-3772C>T (NM_001370134.1); c.929-1864C>T (NM_001370143.1, NM_001370144.1); c.193-13567C>T (NM_001370135.1); short protein forms P372L.
Identifiers: ClinVar variation 4779103 (VCV004779103.1).
Genomic context (GRCh38, chr10:74,975,452, plus strand): 5'-TGCCTAGGTCTGTAACCAGTGATGAAGGATCCATGAATGCATTCACAGGAAGGGGGTCAC[C>T]TGGTAGGGGTCAAAAGACTAAAGTCTGTACCACACCTTCATCTGGTCATGCTGCATCTGG-3'
Protein context (NP_036462.2, residues 362-382): SMNAFTGRGS[Pro372Leu]GRGQKTKVCT